The following is an entry in ClinVar:

NM_001130004.2(ACTN1):c.2239C>G (p.Gln747Glu)

Gene: ACTN1 (actinin alpha 1; minus strand). Cytogenetic location: 14q24.1.
Variant type: single nucleotide variant.
Coding change: c.2239C>G on transcript NM_001130004.2 (MANE Select); coding-DNA position 2239, C replaced by G.
Protein change: p.Gln747Glu; replaces glutamine 747 with glutamic acid.
Molecular consequence: missense variant.
Genome position (GRCh38, 1-based): chr14:68,880,003, G>C on the plus strand (C>G on the coding strand, the complement: ACTN1 is on the minus strand). VCF-style: chr14-68880003-G-C. GRCh37 (hg19) VCF-style: chr14-69346720-G-C.
Other names: c.2239C>G, p.Gln747Glu (NM_001102.4, NM_001130005.2); c.2263C>G, p.Gln755Glu (NM_001411035.1); c.2044C>G, p.Gln682Glu (NM_001411036.1); short protein forms Q747E, Q755E, Q682E.
Identifiers: ClinVar variation 2067926 (VCV002067926.4), dbSNP rs747751019, ClinGen allele CA7242144.

ClinVar aggregate classification (germline): Uncertain significance (1 of 4 stars; one submission).

Allele frequency attached by ClinVar (database versions not stated): gnomAD exomes 0.00005; ExAC 0.00007; gnomAD 0.00007; TOPMed 0.00008.
gnomAD v4.1: 92 of 1,614,074 alleles (0.0057%); highest among the groups gnomAD compares: Middle Eastern, 0.049%; no homozygotes.

Submission:

Labcorp Genetics (formerly Invitae), Labcorp
Classification: Uncertain significance. Last evaluated: 2026-01-25. Review status: criteria provided, single submitter. Criteria: Invitae Variant Classification Sherloc (09022015). Collection method: clinical testing. Allele origin: germline.
Comment: This sequence change replaces glutamine, which is neutral and polar, with glutamic acid, which is acidic and polar, at codon 747 of the ACTN1 protein (p.Gln747Glu). This variant is present in population databases (rs747751019, gnomAD 0.01%). This variant has not been reported in the literature in individuals affected with ACTN1-related conditions. ClinVar contains an entry for this variant (Variation ID: 2067926). An algorithm developed to predict the effect of missense changes on protein structure and function (PolyPhen-2) suggests that this variant is likely to be disruptive. In summary, the available evidence is currently insufficient to determine the role of this variant in disease. Therefore, it has been classified as a Variant of Uncertain Significance.